The following is an entry in ClinVar:

ClinVar aggregate classification (germline): Uncertain significance. Review status: criteria provided, multiple submitters, no conflicts (2 of 4 stars). 4 submissions from 4 submitters: Uncertain significance (4). Last evaluated 2024-11-13.

Conditions:
Emery-Dreifuss muscular dystrophy 4, autosomal dominant (EDMD4). Also called: EMERY-DREIFUSS MUSCULAR DYSTROPHY 4 WITH VARIABLE FEATURES. Identifiers: Orphanet 261, MedGen C2751807, MONDO:0013071, OMIM 612998.
Autosomal recessive ataxia, Beauce type. Also called: SYNE1 Deficiency; ATAXIA, RECESSIVE, OF BEAUCE; Spinocerebellar ataxia, autosomal recessive 8; SYNE1-Related Autosomal Recessive Cerebellar Ataxia. Identifiers: Orphanet 88644, MedGen C1853116, MONDO:0012549, OMIM 610743.

Allele frequency attached by ClinVar (database versions not stated): gnomAD below 0.00001 and 0.00001; TOPMed below 0.00001; gnomAD exomes 0.00002 and 0.00004; ExAC 0.00003.
gnomAD v4.1: 31 of 1,613,432 alleles (0.0019%); highest among the groups gnomAD compares: South Asian, 0.025%; no homozygotes.

Submissions (4):

Blueprint Genetics
Classification: Uncertain significance. Last evaluated: 2024-11-13. Review status: criteria provided, single submitter. Criteria: ACMG Guidelines, 2015. Collection method: clinical testing. Allele origin: germline.

Labcorp Genetics (formerly Invitae), Labcorp
Classification: Uncertain significance for Emery-Dreifuss muscular dystrophy 4, autosomal dominant; Autosomal recessive ataxia, Beauce type. Last evaluated: 2024-10-30. Review status: criteria provided, single submitter. Criteria: Invitae Variant Classification Sherloc (09022015). Collection method: clinical testing. Allele origin: germline.
Comment: This sequence change replaces leucine, which is neutral and non-polar, with phenylalanine, which is neutral and non-polar, at codon 2456 of the SYNE1 protein (p.Leu2456Phe). This variant is present in population databases (rs757562714, gnomAD 0.03%). This variant has not been reported in the literature in individuals affected with SYNE1-related conditions. ClinVar contains an entry for this variant (Variation ID: 960863). An algorithm developed to predict the effect of missense changes on protein structure and function (PolyPhen-2) suggests that this variant is likely to be disruptive. In summary, the available evidence is currently insufficient to determine the role of this variant in disease. Therefore, it has been classified as a Variant of Uncertain Significance.

Athena Diagnostics
Classification: Uncertain significance. Last evaluated: 2021-02-01. Review status: criteria provided, single submitter. Criteria: Athena Diagnostics criteria. Collection method: clinical testing. Allele origin: unknown.

Revvity Omics, Revvity
Classification: Uncertain significance. Last evaluated: 2019-08-23. Review status: criteria provided, single submitter. Criteria: ACMG Guidelines, 2015. Collection method: clinical testing. Allele origin: germline.

NM_182961.4(SYNE1):c.7345C>T (p.Leu2449Phe)

Gene: SYNE1 (spectrin repeat containing nuclear envelope protein 1; minus strand). Cytogenetic location: 6q25.2.
Variant type: single nucleotide variant.
Coding change: c.7345C>T on transcript NM_182961.4 (MANE Select); coding-DNA position 7345, C replaced by T.
Protein change: p.Leu2449Phe; replaces leucine 2449 with phenylalanine.
Molecular consequence: missense variant.
Genome position (GRCh38, 1-based): chr6:152,398,624, G>A on the plus strand (C>T on the coding strand, the complement: SYNE1 is on the minus strand). VCF-style: chr6-152398624-G-A. GRCh37 (hg19) VCF-style: chr6-152719759-G-A.
Other names: c.7366C>T, p.Leu2456Phe (NM_033071.5); short protein forms L2449F, L2456F.
Identifiers: ClinVar variation 960863 (VCV000960863.12), dbSNP rs757562714, ClinGen allele CA4057844.